The following is an entry in ClinVar:

ClinVar aggregate classification (germline): Uncertain significance (1 of 4 stars; one submission).

Conditions:
Nemaline myopathy 2 (NEM2). Also called: Nemaline myopathy 2, autosomal recessive. Identifiers: MedGen C1850569, MONDO:0009725, OMIM 256030.

Submission:

Labcorp Genetics (formerly Invitae), Labcorp
Classification: Uncertain significance for Nemaline myopathy 2. Last evaluated: 2025-07-22. Review status: criteria provided, single submitter. Criteria: Invitae Variant Classification Sherloc (09022015). Collection method: clinical testing. Allele origin: germline.
Comment: This sequence change replaces serine, which is neutral and polar, with asparagine, which is neutral and polar, at codon 5635 of the NEB protein (p.Ser5635Asn). This variant is not present in population databases (gnomAD no frequency). This variant has not been reported in the literature in individuals affected with NEB-related conditions. Experimental studies and prediction algorithms are not available or were not evaluated, and the functional significance of this variant is currently unknown. In summary, the available evidence is currently insufficient to determine the role of this variant in disease. Therefore, it has been classified as a Variant of Uncertain Significance.

NM_001164508.2(NEB):c.16904G>A (p.Ser5635Asn)

Gene: NEB (nebulin; minus strand). Cytogenetic location: 2q23.3.
Variant type: single nucleotide variant.
Coding change: c.16904G>A on transcript NM_001164508.2 (MANE Select); coding-DNA position 16904, G replaced by A.
Protein change: p.Ser5635Asn; replaces serine 5635 with asparagine.
Molecular consequence: missense variant.
Genome position (GRCh38, 1-based): chr2:151,576,155, C>T on the plus strand (G>A on the coding strand, the complement: NEB is on the minus strand). VCF-style: chr2-151576155-C-T. GRCh37 (hg19) VCF-style: chr2-152432669-C-T.
Other names: c.16904G>A, p.Ser5635Asn (NM_001164507.2, NM_001271208.2); c.11801G>A, p.Ser3934Asn (NM_004543.5); short protein forms S3934N, S5635N.
Identifiers: ClinVar variation 4721921 (VCV004721921.1).